The following is an entry in ClinVar:

NM_177438.3(DICER1):c.3344C>T (p.Ser1115Leu)

Gene: DICER1 (dicer 1, ribonuclease III; minus strand). Cytogenetic location: 14q32.13.
Variant type: single nucleotide variant.
Coding change: c.3344C>T on transcript NM_177438.3 (MANE Select); coding-DNA position 3344, C replaced by T.
Protein change: p.Ser1115Leu; replaces serine 1115 with leucine.
Molecular consequence: missense variant. On other transcripts: non-coding transcript variant (4).
Genome position (GRCh38, 1-based): chr14:95,104,052, G>A on the plus strand (C>T on the coding strand, the complement: DICER1 is on the minus strand). VCF-style: chr14-95104052-G-A. GRCh37 (hg19) VCF-style: chr14-95570389-G-A.
Other names: c.3344C>T, p.Ser1115Leu (NM_001195573.1, NM_001271282.3, NM_001291628.2 and 13 more transcripts); c.3062C>T, p.Ser1021Leu (NM_001395686.1); c.2939C>T, p.Ser980Leu (NM_001395687.1, NM_001395688.1, NM_001395689.1 and 2 more transcripts); c.2777C>T, p.Ser926Leu (NM_001395691.1); c.1661C>T, p.Ser554Leu (NM_001395697.1); short protein forms S1021L, S1115L, S554L, S926L, S980L.
Identifiers: ClinVar variation 2177435 (VCV002177435.4), dbSNP rs1255583940, ClinGen allele CA390875831.

ClinVar aggregate classification (germline): Uncertain significance (1 of 4 stars; one submission).

Conditions:
DICER1-related tumor predisposition. Also called: DICER1-related pleuropulmonary blastoma cancer predisposition syndrome; DICER1 syndrome. Identifiers: Orphanet 284343, MedGen C3839822, MONDO:0100216.

Submission:

Labcorp Genetics (formerly Invitae), Labcorp
Classification: Uncertain significance for DICER1-related tumor predisposition. Last evaluated: 2022-10-10. Review status: criteria provided, single submitter. Criteria: Invitae Variant Classification Sherloc (09022015). Collection method: clinical testing. Allele origin: germline.
Comment: In summary, the available evidence is currently insufficient to determine the role of this variant in disease. Therefore, it has been classified as a Variant of Uncertain Significance. Advanced modeling of protein sequence and biophysical properties (such as structural, functional, and spatial information, amino acid conservation, physicochemical variation, residue mobility, and thermodynamic stability) performed at Invitae indicates that this missense variant is not expected to disrupt DICER1 protein function. This variant has not been reported in the literature in individuals affected with DICER1-related conditions. This variant is not present in population databases (gnomAD no frequency). This sequence change replaces serine, which is neutral and polar, with leucine, which is neutral and non-polar, at codon 1115 of the DICER1 protein (p.Ser1115Leu).